The following is an entry in ClinVar:

NM_006379.5(SEMA3C):c.440G>A (p.Arg147Lys)

Gene: SEMA3C (semaphorin 3C; minus strand). Cytogenetic location: 7q21.11.
Variant type: single nucleotide variant.
Coding change: c.440G>A on transcript NM_006379.5 (MANE Select); coding-DNA position 440, G replaced by A.
Protein change: p.Arg147Lys; replaces arginine 147 with lysine.
Molecular consequence: missense variant.
Genome position (GRCh38, 1-based): chr7:80,818,306, C>T on the plus strand (G>A on the coding strand, the complement: SEMA3C is on the minus strand). VCF-style: chr7-80818306-C-T. GRCh37 (hg19) VCF-style: chr7-80447622-C-T.
Other names: c.494G>A, p.Arg165Lys (NM_001350120.2); c.266G>A, p.Arg89Lys (NM_001350121.2); c.440G>A (NM_006379.3); short protein forms R147K, R165K, R89K.
Identifiers: ClinVar variation 3357417 (VCV003357417.2).

ClinVar aggregate classification (germline): Uncertain significance. Review status: criteria provided, single submitter (1 of 4 stars). 2 submissions from 2 submitters: Uncertain significance (1). 1 of the submissions does not count toward it. Last evaluated 2025-06-07.

Conditions:
SEMA3C-related disorder. Also called: SEMA3C-related condition.

gnomAD v4.1: 50 of 1,606,354 alleles (0.0031%); highest among the groups gnomAD compares: South Asian, 0.012%; no homozygotes.

Submissions (2):

Ambry Genetics
Classification: Uncertain significance. Last evaluated: 2025-06-07. Review status: criteria provided, single submitter. Criteria: Ambry Variant Classification Scheme 2023. Collection method: clinical testing. Allele origin: germline.

PreventionGenetics, part of Exact Sciences
Classification: Uncertain significance for SEMA3C-related condition. Last evaluated: 2024-05-13. Review status: no assertion criteria provided. Collection method: clinical testing. Allele origin: germline. Not counted in ClinVar's aggregate classification.
Comment: The SEMA3C c.494G>A variant is predicted to result in the amino acid substitution p.Arg165Lys. To our knowledge, this variant has not been reported in the literature. This variant is reported in 0.016% of alleles in individuals of South Asian descent in gnomAD. At this time, the clinical significance of this variant is uncertain due to the absence of conclusive functional and genetic evidence.